The following is an entry in ClinVar:

ClinVar aggregate classification (germline): Likely benign. Review status: criteria provided, multiple submitters, no conflicts (2 of 4 stars). 3 submissions from 3 submitters: Likely benign (3). Last evaluated 2026-07-31.

Conditions:
Familial colorectal cancer type X. Identifiers: Orphanet 440437, MedGen C3896578, MONDO:0018604.

Submissions (3):

Myriad Genetics, Inc.
Classification: Likely benign for Familial colorectal cancer type X. Last evaluated: 2026-07-31. Review status: criteria provided, single submitter. Criteria: Myriad Autosomal Dominant, Autosomal Recessive and X-Linked Classification Criteria (2023). Collection method: clinical testing. Allele origin: unknown.
Comment: This variant is considered likely benign. This variant is intronic and is not expected to impact mRNA splicing.

Center for Genomic Medicine, Rigshospitalet, Copenhagen University Hospital
Classification: Likely benign. Last evaluated: 2025-03-04. Review status: criteria provided, single submitter. Criteria: ACMG Guidelines, 2015. Collection method: clinical testing. Allele origin: germline.

Labcorp Genetics (formerly Invitae), Labcorp
Classification: Likely benign. Last evaluated: 2024-05-06. Review status: criteria provided, single submitter. Criteria: Invitae Variant Classification Sherloc (09022015). Collection method: clinical testing. Allele origin: germline.

NM_001023.4(RPS20):c.178-9_178-8del

Gene: RPS20 (ribosomal protein S20; minus strand). Cytogenetic location: 8q12.1.
Variant type: Deletion.
Coding change: c.178-9_178-8del on transcript NM_001023.4 (MANE Select); 9 bases into the intron before coding-DNA position 178 through 8 bases into the intron before coding-DNA position 178, 2 bases deleted (TT; older notation c.178-9_178-8delTT).
Molecular consequence: intron variant.
Genome position (GRCh38, 1-based): chr8:56,073,280-56,073,281, AA deleted on the plus strand (TT on the coding strand, the reverse complement: RPS20 is on the minus strand); deleting any 2 consecutive bases within chr8:56,073,280-56,073,283 gives the same sequence; the c. name uses the placement nearest the transcript's 3' end. VCF-style (leftmost placement, unchanged base first): chr8-56073279-CAA-C. GRCh37 (hg19) VCF-style: chr8-56985838-CAA-C.
Other names: c.178-9_178-8del (NM_001146227.3); c.178-9_178-8delTT (NM_001023.4).
Identifiers: ClinVar variation 1977812 (VCV001977812.8), dbSNP rs2486982365, ClinGen allele CA2580078407.